The following is an entry in ClinVar:

NC_000015.9:g.(?_38545387)_(38545438_?)del

Gene: SPRED1 (sprouty related EVH1 domain containing 1; plus strand). Cytogenetic location: 15q14.
Variant type: Deletion.
Identifiers: ClinVar variation 2427397 (VCV002427397.4).

ClinVar aggregate classification (germline): Pathogenic (1 of 4 stars; one submission).

Conditions:
Legius syndrome. Identifiers: Orphanet 137605, MedGen C1969623, MONDO:0012669, OMIM 611431. Disease mechanism: loss of function.

Submission:

Labcorp Genetics (formerly Invitae), Labcorp
Classification: Pathogenic for Legius syndrome. Last evaluated: 2021-08-12. Review status: criteria provided, single submitter. Criteria: Invitae Variant Classification Sherloc (09022015). Collection method: clinical testing. Allele origin: germline.
Comment: This variant is a gross deletion of the genomic region encompassing exon(s) 1 of the SPRED1 gene, which includes the initiator codon. This deletion extends beyond the assayed region for this gene and therefore may encompass additional genes. It is expected to result in an absent or disrupted protein product. Loss-of-function variants in SPRED1 are known to be pathogenic (PMID: 17704776). A similar copy number variant has been observed in individual(s) with Legius syndrome (PMID: 28747691). For these reasons, this variant has been classified as Pathogenic.

Literature cited by the submitters: PubMed 17704776; PubMed 28747691.